The following is an entry in ClinVar:

ClinVar aggregate classification (germline): Uncertain significance. Review status: criteria provided, multiple submitters, no conflicts (2 of 4 stars). 2 submissions from 2 submitters: Uncertain significance (2). Last evaluated 2024-10-22.

Conditions:
D-2-hydroxyglutaric aciduria 1 (D2HGA1). Identifiers: Orphanet 79315, MedGen C3152055, MONDO:0024554, OMIM 600721.

Allele frequency attached by ClinVar (database versions not stated): gnomAD exomes below 0.00001 and 0.00001; gnomAD 0.00001; TOPMed 0.00001; ExAC 0.00002.
gnomAD v4.1: 8 of 1,614,016 alleles (0.0005%); highest among the groups gnomAD compares: Non-Finnish European, 0.00068%; no homozygotes.

Submissions (2):

Labcorp Genetics (formerly Invitae), Labcorp
Classification: Uncertain significance for D-2-hydroxyglutaric aciduria 1. Last evaluated: 2024-10-22. Review status: criteria provided, single submitter. Criteria: Invitae Variant Classification Sherloc (09022015). Collection method: clinical testing. Allele origin: germline.
Comment: This sequence change replaces alanine, which is neutral and non-polar, with threonine, which is neutral and polar, at codon 151 of the D2HGDH protein (p.Ala151Thr). This variant is present in population databases (rs761620958, gnomAD 0.003%). This variant has not been reported in the literature in individuals affected with D2HGDH-related conditions. ClinVar contains an entry for this variant (Variation ID: 1036425). Invitae Evidence Modeling of protein sequence and biophysical properties (such as structural, functional, and spatial information, amino acid conservation, physicochemical variation, residue mobility, and thermodynamic stability) indicates that this missense variant is not expected to disrupt D2HGDH protein function with a negative predictive value of 95%. In summary, the available evidence is currently insufficient to determine the role of this variant in disease. Therefore, it has been classified as a Variant of Uncertain Significance.

Blueprint Genetics
Classification: Uncertain significance. Last evaluated: 2020-04-06. Review status: criteria provided, single submitter. Criteria: ACMG Guidelines, 2015. Collection method: clinical testing. Allele origin: germline.

NM_152783.5(D2HGDH):c.451G>A (p.Ala151Thr)

Gene: D2HGDH (D-2-hydroxyglutarate dehydrogenase; plus strand). Cytogenetic location: 2q37.3.
Variant type: single nucleotide variant.
Coding change: c.451G>A on transcript NM_152783.5 (MANE Select); coding-DNA position 451, G replaced by A.
Protein change: p.Ala151Thr; replaces alanine 151 with threonine.
Molecular consequence: missense variant. On other transcripts: 5 prime UTR variant (1), non-coding transcript variant (1).
Genome position (GRCh38, 1-based): chr2:241,742,535, G>A. VCF-style: chr2-241742535-G-A. GRCh37 (hg19) VCF-style: chr2-242681950-G-A.
Other names: c.49G>A, p.Ala17Thr (NM_001287249.2); c.-94G>A (NM_001352824.2); short protein forms A151T, A17T.
Identifiers: ClinVar variation 1036425 (VCV001036425.6), dbSNP rs761620958, ClinGen allele CA2221655.